The following is an entry in ClinVar:

ClinVar aggregate classification (germline): Uncertain significance. Review status: criteria provided, multiple submitters, no conflicts (2 of 4 stars). 3 submissions from 3 submitters: Uncertain significance (3). Last evaluated 2023-12-28.

Conditions:
PMM2-congenital disorder of glycosylation. Also called: CDG Ia; CARBOHYDRATE-DEFICIENT GLYCOPROTEIN SYNDROME, TYPE Ia; PMM2-CDG; Congenital disorder of glycosylation, type Ia; JAEKEN SYNDROME; PHOSPHOMANNOMUTASE 2 DEFICIENCY. Identifiers: Orphanet 79318, MedGen C0349653, MONDO:0008907, OMIM 212065.

Allele frequency attached by ClinVar (database versions not stated): ExAC 0.00002; gnomAD exomes 0.00003 and 0.00005; TOPMed 0.00005; gnomAD 0.00006; ESP Exome Variant Server 0.00015.

Submissions (4):

Fulgent Genetics
Classification: Uncertain significance for PMM2-congenital disorder of glycosylation. Last evaluated: 2023-12-28. Review status: criteria provided, single submitter. Criteria: ACMG Guidelines, 2015. Collection method: clinical testing. Allele origin: germline.

Labcorp Genetics (formerly Invitae), Labcorp
Classification: Uncertain significance for PMM2-congenital disorder of glycosylation. Last evaluated: 2022-05-27. Review status: criteria provided, single submitter. Criteria: Invitae Variant Classification Sherloc (09022015). Collection method: clinical testing. Allele origin: germline.
Comment: This sequence change falls in intron 3 of the PMM2 gene. It does not directly change the encoded amino acid sequence of the PMM2 protein. This variant is present in population databases (rs62031145, gnomAD 0.008%). This variant has not been reported in the literature in individuals affected with PMM2-related conditions. ClinVar contains an entry for this variant (Variation ID: 886854). Algorithms developed to predict the effect of sequence changes on RNA splicing suggest that this variant may disrupt the consensus splice site. In summary, the available evidence is currently insufficient to determine the role of this variant in disease. Therefore, it has been classified as a Variant of Uncertain Significance.

Illumina Laboratory Services, Illumina
Classification: Uncertain significance for PMM2-congenital disorder of glycosylation. Last evaluated: 2018-01-13. Review status: criteria provided, single submitter. Criteria: ICSL Variant Classification Criteria 13 December 2019. Collection method: clinical testing. Allele origin: germline.

Dr. Peter K. Rogan Lab, Western University
No classification provided (evidence only). Condition: Cervical cancer. Review status: no classification provided. Collection method: in vitro. Allele origin: not applicable. Functional consequence: retained intron. Not counted in ClinVar's aggregate classification.

NM_000303.3(PMM2):c.256-13T>G

Gene: PMM2 (phosphomannomutase 2; plus strand). Cytogenetic location: 16p13.2.
Variant type: single nucleotide variant.
Coding change: c.256-13T>G on transcript NM_000303.3 (MANE Select); 13 bases into the intron before coding-DNA position 256, T replaced by G.
Molecular consequence: intron variant.
Genome position (GRCh38, 1-based): chr16:8,806,303, T>G. VCF-style: chr16-8806303-T-G. GRCh37 (hg19) VCF-style: chr16-8900160-T-G.
Identifiers: ClinVar variation 886854 (VCV000886854.9), dbSNP rs62031145, ClinGen allele CA7893983.